The following is an entry in ClinVar:

NM_001257096.2(PAX1):c.95C>T (p.Ala32Val)

Gene: PAX1 (paired box 1; plus strand). Cytogenetic location: 20p11.22.
Variant type: single nucleotide variant.
Coding change: c.95C>T on transcript NM_001257096.2 (MANE Select); coding-DNA position 95, C replaced by T.
Protein change: p.Ala32Val; replaces alanine 32 with valine.
Molecular consequence: missense variant.
Genome position (GRCh38, 1-based): chr20:21,705,807, C>T. VCF-style: chr20-21705807-C-T. GRCh37 (hg19) VCF-style: chr20-21686445-C-T.
Other names: c.95C>T, p.Ala32Val (NM_006192.5); short protein forms A32V.
Identifiers: ClinVar variation 1031025 (VCV001031025.5), dbSNP rs867196272, ClinGen allele CA313027370.

ClinVar aggregate classification (germline): Uncertain significance. Review status: criteria provided, multiple submitters, no conflicts (2 of 4 stars). 3 submissions from 3 submitters: Uncertain significance (3). Last evaluated 2022-10-17.

Conditions:
Otofaciocervical syndrome 2 (OTFCS2). Also called: OTOFACIOCERVICAL SYNDROME 2, WITH T-CELL DEFICIENCY. Identifiers: MedGen C5442121, MONDO:0014254, OMIM 615560.

Allele frequency attached by ClinVar (database versions not stated): gnomAD 0.00005 and 0.00006; TOPMed 0.00010; gnomAD exomes 0.00022.

Submissions (3):

Labcorp Genetics (formerly Invitae), Labcorp
Classification: Uncertain significance. Last evaluated: 2022-10-17. Review status: criteria provided, single submitter. Criteria: Invitae Variant Classification Sherloc (09022015). Collection method: clinical testing. Allele origin: germline.
Comment: This sequence change replaces alanine, which is neutral and non-polar, with valine, which is neutral and non-polar, at codon 32 of the PAX1 protein (p.Ala32Val). This variant is present in population databases (no rsID available, gnomAD 0.3%). This variant has not been reported in the literature in individuals affected with PAX1-related conditions. ClinVar contains an entry for this variant (Variation ID: 1031025). Algorithms developed to predict the effect of missense changes on protein structure and function (SIFT, PolyPhen-2, Align-GVGD) all suggest that this variant is likely to be tolerated. In summary, the available evidence is currently insufficient to determine the role of this variant in disease. Therefore, it has been classified as a Variant of Uncertain Significance.

Baylor Genetics
Classification: Uncertain significance for Otofaciocervical syndrome 2. Last evaluated: 2019-07-25. Review status: criteria provided, single submitter. Criteria: ACMG Guidelines, 2015. Collection method: clinical testing. Allele origin: unknown. Affected: yes.
Comment: This variant was determined to be of uncertain significance according to ACMG Guidelines, 2015 [PMID:25741868].

Breakthrough Genomics
Classification: Uncertain significance. Review status: criteria provided, single submitter. Criteria: ACMG Guidelines, 2015. Collection method: not provided. Allele origin: germline. Inheritance: Autosomal dominant inheritance. Affected: yes.